The following is an entry in ClinVar:

ClinVar aggregate classification (germline): Pathogenic/Likely pathogenic. Review status: criteria provided, multiple submitters, no conflicts (2 of 4 stars). 5 submissions from 5 submitters: Pathogenic (2); Likely pathogenic (2). 1 of the submissions does not count toward it. Last evaluated 2024-12-03.

Conditions:
Rafiq syndrome (RAFQS). Identifiers: Orphanet 88616, MedGen C3280127, MONDO:0013624, OMIM 614202.
MAN1B1-related disorder. Also called: MAN1B1-related disorders; MAN1B1-related condition.

Allele frequency attached by ClinVar (database versions not stated): ExAC 0.00001; gnomAD 0.00002; TOPMed 0.00002; gnomAD exomes 0.00003.
gnomAD v4.1: 40 of 1,613,728 alleles (0.0025%); highest among the groups gnomAD compares: Non-Finnish European, 0.0033%; no homozygotes.

Submissions (5):

Labcorp Genetics (formerly Invitae), Labcorp
Classification: Pathogenic for Rafiq syndrome. Last evaluated: 2024-12-03. Review status: criteria provided, single submitter. Criteria: Invitae Variant Classification Sherloc (09022015). Collection method: clinical testing. Allele origin: germline.
Comment: This sequence change creates a premature translational stop signal (p.Gly359*) in the MAN1B1 gene. It is expected to result in an absent or disrupted protein product. Loss-of-function variants in MAN1B1 are known to be pathogenic (PMID: 24566669). This variant is present in population databases (rs745337581, gnomAD 0.002%). This premature translational stop signal has been observed in individual(s) with MAN1B1-related conditions (PMID: 36786328). ClinVar contains an entry for this variant (Variation ID: 1691271). Algorithms developed to predict the effect of sequence changes on RNA splicing suggest that this variant may create or strengthen a splice site. For these reasons, this variant has been classified as Pathogenic.

Pittsburgh Clinical Genomics Laboratory, University of Pittsburgh Medical Center
Classification: Likely pathogenic for Rafiq syndrome. Last evaluated: 2024-05-20. Review status: criteria provided, single submitter. Criteria: ACMG Guidelines, 2015. Collection method: clinical testing. Allele origin: germline. Inheritance: Autosomal recessive inheritance. Affected: yes.
Comment: This sequence variant is a single nucleotide substitution (G>T) at position 1075 of the coding sequence of the MAN1B1 gene which changes the Gly359 codon to an early termination codon. As it occurs in exon 8 of 13, this variant is predicted to generate a non-functional allele through either the expression of a truncated mannosidase alpha class 1B member 1 protein or a loss of MAN1B1 expression due to nonsense mediated decay. This is a previously reported variant (ClinVar 1691271) that has been observed in individuals affected by congenital heart disease (PMID 28991257) and MAN1B1-congenital disorder of glycosylation (PMID: 36786328). This variant is present in 40 of 1613728 alleles (0.0025%) in the gnomAD v4.1.0 population dataset. Loss-of-function variants in MAN1B1 are a known mechanism of disease (PMID: 24566669). Based upon the evidence, we consider this variant to be likely pathogenic. ACMG Criteria: PM2, PVS1

GeneDx
Classification: Pathogenic. Last evaluated: 2024-04-30. Review status: criteria provided, single submitter. Criteria: GeneDx Variant Classification Process June 2021. Collection method: clinical testing. Allele origin: germline. Affected: yes.
Comment: Nonsense variant predicted to result in protein truncation or nonsense mediated decay in a gene for which loss of function is a known mechanism of disease; Not observed at significant frequency in large population cohorts (gnomAD); This variant is associated with the following publications: (PMID: 36786328)

Blueprint Genetics
Classification: Likely pathogenic for MAN1B1-related disorders. Last evaluated: 2022-07-19. Review status: criteria provided, single submitter. Criteria: ACMG Guidelines, 2015. Collection method: clinical testing. Allele origin: germline. Affected: yes. Observed: 5 variant alleles.

Service de Biologie Medicale, CIUSSS du Saguenay-Lac-Saint-Jean
Classification: Pathogenic for Rafiq syndrome. Last evaluated: 2017-08-11. Review status: no assertion criteria provided. Collection method: clinical testing. Allele origin: inherited. Affected: yes. Observed: 5 variant alleles. Clinical features observed: Developmental delay, neonatal hypotonia, language delay, clinodactyly, high palate, oval facies, ophtalmoplegia, intellectual disability, Obesity (HP:0001513), scoliosis, articular hypermobility, pectus excavatum. Not counted in ClinVar's aggregate classification.
Comment: Observed in 3 individuals in the homozygous state from 2 independant families in the Saguenay-Lac-St-Jean region of Québec, Canada.

Literature cited by the submitters: PubMed 24566669 (cited by Labcorp Genetics (formerly Invitae), Labcorp and Pittsburgh Clinical Genomics Laboratory, University of Pittsburgh Medical Center); PubMed 36786328 (cited by Labcorp Genetics (formerly Invitae), Labcorp and Pittsburgh Clinical Genomics Laboratory, University of Pittsburgh Medical Center).

NM_016219.5(MAN1B1):c.1075G>T (p.Gly359Ter)

Gene: MAN1B1 (mannosidase alpha class 1B member 1; plus strand). Cytogenetic location: 9q34.3.
Variant type: single nucleotide variant.
Coding change: c.1075G>T on transcript NM_016219.5 (MANE Select); coding-DNA position 1075, G replaced by T.
Protein change: p.Gly359Ter; replaces glycine 359 with a stop codon.
Molecular consequence: nonsense. On other transcripts: non-coding transcript variant (2).
Genome position (GRCh38, 1-based): chr9:137,101,493, G>T. VCF-style: chr9-137101493-G-T. GRCh37 (hg19) VCF-style: chr9-139995945-G-T.
Other names: short protein forms G359*.
Identifiers: ClinVar variation 1691271 (VCV001691271.7), dbSNP rs745337581, ClinGen allele CA5358909.
Genomic context (GRCh38, chr9:137,101,493, plus strand): 5'-GAGGCCTCTGGGTGACCTGAACGTTGGTTCTCTACTCTGCTCATATACCAGGAGGATTTT[G>T]GAAATCGGCTAATGCCTGCCTTCAGAACACCATCCAAGATTCCTTACTCGGATGTGAACA-3'